The following is an entry in ClinVar:

ClinVar aggregate classification (germline): Uncertain significance. Review status: criteria provided, multiple submitters, no conflicts (2 of 4 stars). 2 submissions from 2 submitters: Uncertain significance (2). Last evaluated 2022-11-20.

Conditions:
Hereditary cancer-predisposing syndrome. Also called: Hereditary neoplastic syndrome; Tumor predisposition; Neoplastic Syndromes, Hereditary; Hereditary Cancer Syndrome. Identifiers: Orphanet 140162, MedGen C0027672, MeSH D009386, MONDO:0015356.
Hereditary diffuse gastric adenocarcinoma (HDGC). Also called: DIFFUSE GASTRIC AND LOBULAR BREAST CANCER SYNDROME. Identifiers: Orphanet 26106, MedGen C1708349, MONDO:0007648, OMIM 137215.

Submissions (2):

Ambry Genetics
Classification: Uncertain significance for Hereditary cancer-predisposing syndrome. Last evaluated: 2022-11-20. Review status: criteria provided, single submitter. Criteria: Ambry Variant Classification Scheme 2023. Collection method: clinical testing. Allele origin: germline.
Comment: The p.G839D variant (also known as c.2516G>A), located in coding exon 16 of the CDH1 gene, results from a G to A substitution at nucleotide position 2516. The glycine at codon 839 is replaced by aspartic acid, an amino acid with similar properties. This amino acid position is conserved. In addition, this alteration is predicted to be deleterious by in silico analysis. Since supporting evidence is limited at this time, the clinical significance of this alteration remains unclear.

Labcorp Genetics (formerly Invitae), Labcorp
Classification: Uncertain significance for Hereditary diffuse gastric adenocarcinoma. Last evaluated: 2019-11-26. Review status: criteria provided, single submitter. Criteria: Invitae Variant Classification Sherloc (09022015). Collection method: clinical testing. Allele origin: germline.
Comment: In summary, the available evidence is currently insufficient to determine the role of this variant in disease. Therefore, it has been classified as a Variant of Uncertain Significance. Algorithms developed to predict the effect of missense changes on protein structure and function are either unavailable or do not agree on the potential impact of this missense change (SIFT: "Deleterious"; PolyPhen-2: "Probably Damaging"; Align-GVGD: "Class C0"). This variant has not been reported in the literature in individuals with CDH1-related conditions. This variant is not present in population databases (ExAC no frequency). This sequence change replaces glycine with aspartic acid at codon 839 of the CDH1 protein (p.Gly839Asp). The glycine residue is highly conserved and there is a moderate physicochemical difference between glycine and aspartic acid.

NM_004360.5(CDH1):c.2516G>A (p.Gly839Asp)

Gene: CDH1 (cadherin 1; plus strand). Cytogenetic location: 16q22.1.
Variant type: single nucleotide variant.
Coding change: c.2516G>A on transcript NM_004360.5 (MANE Select); coding-DNA position 2516, G replaced by A.
Protein change: p.Gly839Asp; replaces glycine 839 with aspartic acid.
Molecular consequence: missense variant.
Genome position (GRCh38, 1-based): chr16:68,833,366, G>A. VCF-style: chr16-68833366-G-A. GRCh37 (hg19) VCF-style: chr16-68867269-G-A.
Other names: c.2333G>A, p.Gly778Asp (NM_001317184.2); c.968G>A, p.Gly323Asp (NM_001317185.2); c.551G>A, p.Gly184Asp (NM_001317186.2); short protein forms G184D, G778D, G323D, G839D.
Identifiers: ClinVar variation 857367 (VCV000857367.11), dbSNP rs1961537321, ClinGen allele CA396472269.